The following is an entry in ClinVar:

ClinVar aggregate classification (germline): Likely pathogenic. Review status: reviewed by expert panel (3 of 4 stars). 7 submissions from 7 submitters: Likely pathogenic (1). 6 of the submissions do not count toward it. Last evaluated 2025-09-29.

Conditions:
AIPL1-related retinopathy. Also called: AIPL1 retinopathy. Identifiers: MedGen CN305590, MONDO:0100438.
Leber congenital amaurosis (LCA). Also called: Leber's amaurosis. Identifiers: Orphanet 65, MedGen C0339527, MeSH D057130, MONDO:0018998.
Leber congenital amaurosis 4 (LCA4). Identifiers: MedGen C1858386, MONDO:0011458, OMIM 604393.

Submissions (7):

ClinGen Leber Congenital Amaurosis/early Onset Retinal Dystrophy Variant Curation Expert Panel, ClinGen
Classification: Likely pathogenic for AIPL1-related retinopathy. Last evaluated: 2025-09-29. Review status: reviewed by expert panel. Criteria: ClinGen LCAeoRD ACMG Specifications AIPL1 V1.0.0. Collection method: curation. Allele origin: germline. Inheritance: Autosomal recessive inheritance.
Comment: NM_014336.5(AIPL1):c.715T>C (p.Cys239Arg) is predicted to replace the cysteine at position p.239 with arginine. This variant is absent from gnomAD v4.1.0 (PM2_Supporting). This variant has been reported in at least 1 proband with early-onset severe retinal dystrophy who was homozygous for the variant (PMID: 15249368) (0.5 total points, PM3_Supporting). The variant has been reported to segregate with childhood-onset severe retinal dystrophy through the proband plus 2 similarly affected relatives, with the variant present in the homozygous state (PP1_Moderate; PMID: 15249368 and personal communication). At least one proband harboring this variant exhibits a phenotype including a diagnosis of LCA (0.5 pts) with poor central vision (1 pt) from birth (1 pt), along with severe night blindness (0.5 pts) and pendular nystagmus (1 pt). Full-field electroretinogram responses were non-detectable from both rods (0.5 pts) and cones (1 pt). Fundus examination revealed widespread RPE changes with pigment clumping (0.5 pt), attenuated retinal vessels (1 pt), macular atrophy (0.5 pts) and a pale optic disk (0.5 pts) which together are specific for AIPL1-related retinopathy (total 8 points, PMID: 10873396, PP4_Moderate). The variant protein exhibits less than 10% of wild-type AIPL1 activity in a cGMP hydrolysis assay based on exogenous expression in HEK293T cells (PMID: 27268253, PS3_Supporting). the computational predictor REVEL gives a score of 0.789, which is above the ClinGen LCA/eoRD VCEP threshold of ≥0.774 and predicts a damaging effect on AIPL1 protein function (PP3_Moderate). In summary, this variant meets the criteria to be classified as Likely Pathogenic for AIPL1-related retinopathy based on the ACMG/AMP criteria applied, as specified by the ClinGen LCA/eoRD VCEP: PM2_Supporting, PP3_Moderate, PS3_Supporting, PM3_Supporting, PP1_Moderate, and PP4_Moderate. (VCEP specifications version 1.0.0; date of approval 09/24/2025).

Labcorp Genetics (formerly Invitae), Labcorp
Classification: Pathogenic for Leber congenital amaurosis 4. Last evaluated: 2025-08-17. Review status: criteria provided, single submitter. Criteria: Invitae Variant Classification Sherloc (09022015). Collection method: clinical testing. Allele origin: germline. Not counted in ClinVar's aggregate classification.
Comment: This sequence change replaces cysteine, which is neutral and slightly polar, with arginine, which is basic and polar, at codon 239 of the AIPL1 protein (p.Cys239Arg). This variant is not present in population databases (gnomAD no frequency). This missense change has been observed in individuals with Leber congenital amaurosis (PMID: 10615133, 17964524; internal data). ClinVar contains an entry for this variant (Variation ID: 5567). Invitae Evidence Modeling of protein sequence and biophysical properties (such as structural, functional, and spatial information, amino acid conservation, physicochemical variation, residue mobility, and thermodynamic stability) indicates that this missense variant is expected to disrupt AIPL1 protein function with a positive predictive value of 95%. Experimental studies have shown that this missense change affects AIPL1 function (PMID: 15347646, 22347407, 25799540, 27268253, 28973376). For these reasons, this variant has been classified as Pathogenic.

Women's Health and Genetics/Laboratory Corporation of America, LabCorp
Classification: Pathogenic for Leber congenital amaurosis. Last evaluated: 2024-04-21. Review status: criteria provided, single submitter. Criteria: LabCorp Variant Classification Summary - May 2015. Collection method: clinical testing. Allele origin: germline. Not counted in ClinVar's aggregate classification.
Comment: Variant summary: AIPL1 c.715T>C (p.Cys239Arg) results in a non-conservative amino acid change in the encoded protein sequence. Five of five in-silico tools predict a damaging effect of the variant on protein function. The variant was absent in 251430 control chromosomes. c.715T>C has been reported in the literature as a homozygous genotype in multiple individuals affected with Leber Congenital Amaurosis (example, Sohocki_2000, Dharmaraj_2004). These data indicate that the variant is very likely to be associated with disease. At least one publication reports experimental evidence evaluating an impact on protein function demonstrating severely reduced interactions with NUB1, leading to defective inhibition of FAT10-DHFR degradation (Bett_2012). The following publications have been ascertained in the context of this evaluation (PMID: 22347407, 15249368, 10615133, 17964524). ClinVar contains an entry for this variant (Variation ID: 5567). Based on the evidence outlined above, the variant was classified as pathogenic.

OMIM
Classification: Pathogenic for LEBER CONGENITAL AMAUROSIS 4. Last evaluated: 2000-01-01. Review status: no assertion criteria provided. Collection method: literature only. Allele origin: germline. Not counted in ClinVar's aggregate classification.

GeneReviews
No classification provided. Condition: Leber congenital amaurosis 4. Review status: no classification provided. Collection method: literature only. Allele origin: unknown. Not counted in ClinVar's aggregate classification.

Laboratory of Genetics in Ophthalmology, Institut Imagine
Classification: Pathogenic for Leber congenital amaurosis 4. Review status: no assertion criteria provided. Collection method: research. Allele origin: inherited. Affected: yes. Observed: 1 variant allele. Not counted in ClinVar's aggregate classification.

Retina International
No classification provided. Review status: no classification provided. Collection method: not provided. Allele origin: not provided. Not counted in ClinVar's aggregate classification.

Literature cited by the submitters: PubMed 27268253 (cited by ClinGen Leber Congenital Amaurosis/early Onset Retinal Dystrophy Variant Curation Expert Panel, ClinGen and Labcorp Genetics (formerly Invitae), Labcorp); PubMed 10615133 (cited by 3 submitters); PubMed 17964524 (cited by Labcorp Genetics (formerly Invitae), Labcorp and Women's Health and Genetics/Laboratory Corporation of America, LabCorp); PubMed 15347646 (cited by Labcorp Genetics (formerly Invitae), Labcorp); PubMed 22347407 (cited by Labcorp Genetics (formerly Invitae), Labcorp and Women's Health and Genetics/Laboratory Corporation of America, LabCorp); PubMed 25799540 (cited by Labcorp Genetics (formerly Invitae), Labcorp); PubMed 28973376 (cited by Labcorp Genetics (formerly Invitae), Labcorp); PubMed 15249368 (cited by Women's Health and Genetics/Laboratory Corporation of America, LabCorp); PubMed 20301475 (cited by GeneReviews); NCBI Bookshelf NBK1298 (cited by GeneReviews); PubMed 10873396 (cited by Laboratory of Genetics in Ophthalmology, Institut Imagine).

NM_014336.5(AIPL1):c.715T>C (p.Cys239Arg)

Gene: AIPL1 (AIP like 1 HSP90 co-chaperone; minus strand). Cytogenetic location: 17p13.2.
Variant type: single nucleotide variant.
Coding change: c.715T>C on transcript NM_014336.5 (MANE Select); coding-DNA position 715, T replaced by C.
Protein change: p.Cys239Arg; replaces cysteine 239 with arginine.
Molecular consequence: missense variant.
Genome position (GRCh38, 1-based): chr17:6,426,684, A>G on the plus strand (T>C on the coding strand, the complement: AIPL1 is on the minus strand). VCF-style: chr17-6426684-A-G. GRCh37 (hg19) VCF-style: chr17-6330004-A-G.
Other names: NM_014336.5(AIPL1):c.715T>C; c.526T>C, p.Cys176Arg (NM_001033054.3); c.535T>C, p.Cys179Arg (NM_001033055.3); c.679T>C, p.Cys227Arg (NM_001285399.3); c.649T>C, p.Cys217Arg (NM_001285400.3); c.643T>C, p.Cys215Arg (NM_001285401.3); c.598T>C, p.Cys200Arg (NM_001285402.2); c.691T>C, p.Cys231Arg (NM_001285403.4); short protein forms C239R, C176R, C179R, C200R, C217R, C227R, C215R, C231R.
Identifiers: ClinVar variation 5567 (VCV000005567.8), dbSNP rs62637012, ClinGen allele CA227892.
Genomic context (GRCh38, chr17:6,426,684, plus strand): 5'-GCCGGAGAATATCACTGGTGTGCTCCAGCACCTCATAGTACTCCTCCTTCTTCAGCAGGC[A>G]CTGGCAGTAGTTGAGGATCAGAGTATTGATCATCTTCTCCAGCTTCAGCCACTGCACCTC-3'
Protein context (NP_055151.3, residues 229-249): INTLILNYCQ[Cys239Arg]LLKKEEYYEV